The following is an entry in ClinVar:

NM_024675.4(PALB2):c.2004GGA[1] (p.Glu669del)

Gene: PALB2 (partner and localizer of BRCA2; minus strand). Cytogenetic location: 16p12.2.
Variant type: Microsatellite.
Coding change: c.2004GGA[1] on transcript NM_024675.4 (MANE Select); one copy of the 3-base unit GGA starting at c.2004; the reference has two copies in a row; one copy, 3 bases deleted.
Protein change: p.Glu669del; deletes glutamic acid 669.
Molecular consequence: inframe deletion. On other transcripts: inframe indel (19).
Genome position (GRCh38, 1-based): chr16:23,630,145-23,630,147, TCC deleted on the plus strand (GGA on the coding strand, the reverse complement: PALB2 is on the minus strand); deleting any 3 consecutive bases within chr16:23,630,145-23,630,150 gives the same sequence; the position shown is the placement nearest the transcript's 3' end. VCF-style (leftmost placement, unchanged base first): chr16-23630144-GTCC-G. GRCh37 (hg19) VCF-style: chr16-23641465-GTCC-G.
Other names: c.1944_1946GGA[1], p.Glu649del (NM_001407296.1); c.2004_2006GGA[1], p.Glu669del (NM_001407297.1, NM_001407298.1, NM_001407299.1 and 4 more transcripts); c.1119_1121GGA[1], p.Glu374del (NM_001407304.1, NM_001407305.1, NM_001407306.1 and 5 more transcripts); c.216_218GGA[1], p.Glu73del (NM_001407312.1, NM_001407313.1); c.2007_2009delGGA (NM_024675.3); short protein forms E374del, E669del, E73del, E649del.
Identifiers: ClinVar variation 1784330 (VCV001784330.2), dbSNP rs2506426480, ClinGen allele CA2580612728.

ClinVar aggregate classification (germline): Uncertain significance (1 of 4 stars; one submission).

Conditions:
Hereditary cancer-predisposing syndrome. Also called: Neoplastic Syndromes, Hereditary; Tumor predisposition; Hereditary Cancer Syndrome; Hereditary neoplastic syndrome. Identifiers: Orphanet 140162, MedGen C0027672, MeSH D009386, MONDO:0015356.

Submission:

Ambry Genetics
Classification: Uncertain significance for Hereditary cancer-predisposing syndrome. Last evaluated: 2021-08-25. Review status: criteria provided, single submitter. Criteria: Ambry Variant Classification Scheme 2023. Collection method: clinical testing. Allele origin: germline.
Comment: The c.2007_2009delGGA variant (also known as p.E669del) is located in coding exon 5 of the PALB2 gene. This variant results from an in-frame GGA deletion at nucleotide positions 2007 to 2009. This results in the in-frame deletion of a glutamic acid at codon 669. This amino acid position is well conserved in available vertebrate species. In addition, this alteration is predicted to be deleterious by in silico analysis (Choi Y et al. PLoS ONE. 2012; 7(10):e46688). Since supporting evidence is limited at this time, the clinical significance of this alteration remains unclear.